The following is an entry in ClinVar:

NM_002335.4(LRP5):c.60G>A (p.Leu20=)

Gene: LRP5 (LDL receptor related protein 5; plus strand). Cytogenetic location: 11q13.2.
Variant type: single nucleotide variant.
Coding change: c.60G>A on transcript NM_002335.4 (MANE Select); coding-DNA position 60, G replaced by A.
Protein change: p.Leu20=; no amino-acid change (leucine 20 retained).
Molecular consequence: synonymous variant. On other transcripts: 5 prime UTR variant (1).
Genome position (GRCh38, 1-based): chr11:68,312,774, G>A. VCF-style: chr11-68312774-G-A. GRCh37 (hg19) VCF-style: chr11-68080242-G-A.
Other names: c.60G>A (NM_002335.3); c.-1706G>A (NM_001291902.2).
Identifiers: ClinVar variation 1518411 (VCV001518411.12), dbSNP rs965261452, ClinGen allele CA224251996.

ClinVar aggregate classification (germline): Likely benign. Review status: criteria provided, multiple submitters, no conflicts (2 of 4 stars). 4 submissions from 4 submitters: Likely benign (4). Last evaluated 2026-01-26.

Conditions:
LRP5-related disorder. Also called: LRP5-related condition.

Allele frequency attached by ClinVar (database versions not stated): gnomAD exomes 0.00006 and 0.00022; gnomAD 0.00012 and 0.00013; TOPMed 0.00017.
gnomAD v4.1: 229 of 1,090,502 alleles (0.021%); highest among the groups gnomAD compares: Non-Finnish European, 0.024%; no homozygotes.

Submissions (4):

Labcorp Genetics (formerly Invitae), Labcorp
Classification: Likely benign. Last evaluated: 2026-01-26. Review status: criteria provided, single submitter. Criteria: Invitae Variant Classification Sherloc (09022015). Collection method: clinical testing. Allele origin: germline.

Women's Health and Genetics/Laboratory Corporation of America, LabCorp
Classification: Likely benign. Last evaluated: 2025-04-01. Review status: criteria provided, single submitter. Criteria: LabCorp Variant Classification Summary - May 2015. Collection method: clinical testing. Allele origin: germline.

PreventionGenetics, part of Exact Sciences
Classification: Likely benign for LRP5-related condition. Last evaluated: 2024-10-18. Review status: criteria provided, single submitter. Criteria: ACMG Guidelines, 2015. Collection method: clinical testing. Allele origin: germline.
Comment: This variant is classified as likely benign based on ACMG/AMP sequence variant interpretation guidelines (Richards et al. 2015 PMID: 25741868, with internal and published modifications).

Blueprint Genetics
Classification: Likely benign. Last evaluated: 2022-10-11. Review status: criteria provided, single submitter. Criteria: ACMG Guidelines, 2015. Collection method: clinical testing. Allele origin: germline.